The following is an entry in ClinVar:

ClinVar aggregate classification (germline): Likely pathogenic (1 of 4 stars; one submission).

Conditions:
Charlevoix-Saguenay spastic ataxia (SACS). Also called: AUTOSOMAL RECESSIVE SPASTIC ATAXIA OF CHARLEVOIX-SAGUENAY; Spastic ataxia of Charlevoix-Saguenay; SPASTIC ATAXIA 6, AUTOSOMAL RECESSIVE. Identifiers: Orphanet 98, MedGen C1849140, MONDO:0010041, OMIM 270550.

Submission:

Natera, Inc.
Classification: Likely pathogenic for Charlevoix-Saguenay type spastic ataxia. Last evaluated: 2025-06-30. Review status: criteria provided, single submitter. Criteria: Natera Variant Classification Schema (03/2026). Collection method: clinical testing. Allele origin: germline.
Comment: The c.12518del variant in SACS is a frameshift variant predicted to shift the reading frame beginning at codon 4173 and leads to a stop codon 49 codons downstream. This variant is expected to result in nonsense mediated decay, truncation, or a dysfunctional protein product. This variant is rare in the general population with a frequency below the threshold expected for the associated phenotype(s). Given the available evidence, this variant is classified as Likely Pathogenic.

NM_014363.6(SACS):c.12518del (p.Met4173fs)

Gene: SACS (sacsin molecular chaperone; minus strand). Cytogenetic location: 13q12.12.
Variant type: Deletion.
Coding change: c.12518del on transcript NM_014363.6 (MANE Select); coding-DNA position 12518, one base deleted (T; older notation c.12518delT).
Protein change: p.Met4173fs; shifts the reading frame from methionine 4173.
Molecular consequence: frameshift variant.
Genome position (GRCh38, 1-based): chr13:23,331,358, A deleted on the plus strand (T on the coding strand, the reverse complement: SACS is on the minus strand). VCF-style (leftmost placement, unchanged base first): chr13-23331357-CA-C. GRCh37 (hg19) VCF-style: chr13-23905496-CA-C.
Other names: c.12077del, p.Met4026fs (NM_001278055.2); c.12545del, p.Met4182fs (NM_001437336.1); short protein forms M4026fs, M4173fs, M4182fs.
Identifiers: ClinVar variation 4815679 (VCV004815679.1).
Genomic context (GRCh38, chr13:23,331,357, plus strand): 5'-GATATCACCACCTTCAGCATCAACAAGGTACCCAACATATTCTCCCGGGTAAAAAACATT[CA>C]TTGGGTCCATAAGCAGAGTGTAATGAATTTCAGCAGGAATTGGTGTGCCAGGCATTGGAA-3'